The following is an entry in ClinVar:

ClinVar aggregate classification (germline): Pathogenic (1 of 4 stars; one submission).

Submission:

Labcorp Genetics (formerly Invitae), Labcorp
Classification: Pathogenic. Last evaluated: 2023-01-05. Review status: criteria provided, single submitter. Criteria: Invitae Variant Classification Sherloc (09022015). Collection method: clinical testing. Allele origin: germline.
Comment: For these reasons, this variant has been classified as Pathogenic. This variant has not been reported in the literature in individuals affected with ROBO1-related conditions. This variant is not present in population databases (gnomAD no frequency). This sequence change creates a premature translational stop signal (p.Cys372*) in the ROBO1 gene. It is expected to result in an absent or disrupted protein product. Loss-of-function variants in ROBO1 are known to be pathogenic (PMID: 29194579, 35227688).

Literature cited by the submitters: PubMed 29194579; PubMed 35227688.

NM_002941.4(ROBO1):c.1116T>A (p.Cys372Ter)

Gene: ROBO1 (roundabout guidance receptor 1; minus strand). Cytogenetic location: 3p12.3.
Variant type: single nucleotide variant.
Coding change: c.1116T>A on transcript NM_002941.4 (MANE Select); coding-DNA position 1116, T replaced by A.
Protein change: p.Cys372Ter; replaces cysteine 372 with a stop codon.
Molecular consequence: nonsense.
Genome position (GRCh38, 1-based): chr3:78,688,702, A>T on the plus strand (T>A on the coding strand, the complement: ROBO1 is on the minus strand). VCF-style: chr3-78688702-A-T. GRCh37 (hg19) VCF-style: chr3-78737852-A-T.
Other names: c.1008T>A, p.Cys336Ter (NM_133631.4, NM_001145844.1, NM_001145845.2); short protein forms C372*, C336*.
Identifiers: ClinVar variation 2826192 (VCV002826192.3), dbSNP rs2472352059, ClinGen allele CA353653839.